The following is an entry in ClinVar:

NM_001080414.4(CCDC88C):c.3072C>A (p.Phe1024Leu)

Gene: CCDC88C (coiled-coil and HOOK domain protein 88C; minus strand). Cytogenetic location: 14q32.11.
Variant type: single nucleotide variant.
Coding change: c.3072C>A on transcript NM_001080414.4 (MANE Select); coding-DNA position 3072, C replaced by A.
Protein change: p.Phe1024Leu; replaces phenylalanine 1024 with leucine.
Molecular consequence: missense variant.
Genome position (GRCh38, 1-based): chr14:91,307,161, G>T on the plus strand (C>A on the coding strand, the complement: CCDC88C is on the minus strand). VCF-style: chr14-91307161-G-T. GRCh37 (hg19) VCF-style: chr14-91773505-G-T.
Other names: short protein forms F1024L.
Identifiers: ClinVar variation 1033653 (VCV001033653.1), dbSNP rs762288121, ClinGen allele CA7309464.
Genomic context (GRCh38, chr14:91,307,161, plus strand): 5'-GCCGGGCCCCCAGGCCTCCTTCCCCTGGTGACTGGCGGCTGTCTTCCCCGCAGGGTGCTT[G>T]AAAGAGTTCTGCAAGTGCTGCCCCTCTCCCTGGTTCTGCCTGAGGGTCTCACACTCCTTC-3'
Protein context (NP_001073883.2, residues 1014-1034): QGEGQHLQNS[Phe1024Leu]KHPAGKTAAS

ClinVar aggregate classification (germline): Uncertain significance (1 of 4 stars; one submission).

Conditions:
Hydrocephalus, nonsyndromic, autosomal recessive 1 (HYC1). Also called: Hydrocephalus, nonsyndromic, autosomal recessive; Congenital hydrocephalus 1. Identifiers: Orphanet 2185, MedGen C3887608, MONDO:0009360, OMIM 236600.

gnomAD v4.1: 13 of 1,613,822 alleles (0.00081%); highest among the groups gnomAD compares: South Asian, 0.013%; no homozygotes.

Submission:

Baylor Genetics
Classification: Uncertain significance for Hydrocephalus, nonsyndromic, autosomal recessive 1. Last evaluated: 2018-05-24. Review status: criteria provided, single submitter. Criteria: ACMG Guidelines, 2015. Collection method: clinical testing. Allele origin: maternal. Affected: yes.
Comment: This variant was determined to be of uncertain significance according to ACMG Guidelines, 2015 [PMID:25741868].